The following is an entry in ClinVar:

ClinVar aggregate classification (germline): Uncertain significance. Review status: criteria provided, multiple submitters, no conflicts (2 of 4 stars). 3 submissions from 3 submitters: Uncertain significance (3). Last evaluated 2026-01-19.

Conditions:
Inborn genetic diseases. Identifiers: MedGen C0950123, MeSH D030342.

Allele frequency attached by ClinVar (database versions not stated): gnomAD exomes below 0.00001.
gnomAD v4.1: 1 of 1,613,648 alleles (0.000062%); highest among the groups gnomAD compares: Admixed American, 0.0017%; no homozygotes.

Submissions (3):

Labcorp Genetics (formerly Invitae), Labcorp
Classification: Uncertain significance. Last evaluated: 2026-01-19. Review status: criteria provided, single submitter. Criteria: Invitae Variant Classification Sherloc (09022015). Collection method: clinical testing. Allele origin: germline.
Comment: This sequence change replaces isoleucine, which is neutral and non-polar, with phenylalanine, which is neutral and non-polar, at codon 664 of the TRAF3IP1 protein (p.Ile664Phe). This variant is present in population databases (no rsID available, gnomAD 0.003%). This variant has not been reported in the literature in individuals affected with TRAF3IP1-related conditions. ClinVar contains an entry for this variant (Variation ID: 1430699). Invitae Evidence Modeling of protein sequence and biophysical properties (such as structural, functional, and spatial information, amino acid conservation, physicochemical variation, residue mobility, and thermodynamic stability) indicates that this missense variant is expected to disrupt TRAF3IP1 protein function with a positive predictive value of 80%. In summary, the available evidence is currently insufficient to determine the role of this variant in disease. Therefore, it has been classified as a Variant of Uncertain Significance.

Blueprint Genetics
Classification: Uncertain significance. Last evaluated: 2023-12-13. Review status: criteria provided, single submitter. Criteria: ACMG Guidelines, 2015. Collection method: clinical testing. Allele origin: germline.

Ambry Genetics
Classification: Uncertain significance for Inborn genetic diseases. Last evaluated: 2022-09-14. Review status: criteria provided, single submitter. Criteria: Ambry Variant Classification Scheme 2023. Collection method: clinical testing. Allele origin: germline.

NM_015650.4(IFT54):c.1990A>T (p.Ile664Phe)

Gene: IFT54 (intraflagellar transport 54; plus strand). Cytogenetic location: 2q37.3.
Variant type: single nucleotide variant.
Coding change: c.1990A>T on transcript NM_015650.4 (MANE Select); coding-DNA position 1990, A replaced by T.
Protein change: p.Ile664Phe; replaces isoleucine 664 with phenylalanine.
Molecular consequence: missense variant.
Genome position (GRCh38, 1-based): chr2:238,398,833, A>T. VCF-style: chr2-238398833-A-T. GRCh37 (hg19) VCF-style: chr2-239307474-A-T.
Other names: c.1792A>T, p.Ile598Phe (NM_001139490.1); c.1990A>T (NM_015650.3); short protein forms I598F, I664F.
Identifiers: ClinVar variation 1430699 (VCV001430699.8), dbSNP rs1428274674, ClinGen allele CA351247125.